The following is an entry in ClinVar:

ClinVar aggregate classification (germline): Benign/Likely benign. Review status: criteria provided, multiple submitters, no conflicts (2 of 4 stars). 4 submissions from 4 submitters: Benign (1); Likely benign (3). Last evaluated 2025-02-24.

Conditions:
Breast-ovarian cancer, familial, susceptibility to, 4. Identifiers: Orphanet 145, MedGen C3280345, MONDO:0013669, OMIM 614291.
Hereditary cancer-predisposing syndrome. Also called: Neoplastic Syndromes, Hereditary; Tumor predisposition; Hereditary Cancer Syndrome; Hereditary neoplastic syndrome. Identifiers: Orphanet 140162, MedGen C0027672, MeSH D009386, MONDO:0015356.

Submissions (4):

Myriad Genetics, Inc.
Classification: Benign for Breast-ovarian cancer, familial, susceptibility to, 4. Last evaluated: 2025-02-24. Review status: criteria provided, single submitter. Criteria: Myriad Autosomal Dominant, Autosomal Recessive and X-Linked Classification Criteria (2023). Collection method: clinical testing. Allele origin: unknown.
Comment: This variant is considered benign. This variant is a silent/synonymous amino acid change and it is not expected to impact splicing.

Labcorp Genetics (formerly Invitae), Labcorp
Classification: Likely benign for Breast-ovarian cancer, familial, susceptibility to, 4. Last evaluated: 2024-03-21. Review status: criteria provided, single submitter. Criteria: Invitae Variant Classification Sherloc (09022015). Collection method: clinical testing. Allele origin: germline.

Ambry Genetics
Classification: Likely benign for Hereditary cancer-predisposing syndrome. Last evaluated: 2021-08-15. Review status: criteria provided, single submitter. Criteria: Ambry Variant Classification Scheme 2023. Collection method: clinical testing. Allele origin: germline.

Color Diagnostics, LLC DBA Color Health
Classification: Likely benign for Hereditary cancer-predisposing syndrome. Last evaluated: 2019-07-26. Review status: criteria provided, single submitter. Criteria: ACMG Guidelines, 2015. Collection method: clinical testing. Allele origin: germline.

NM_002878.4(RAD51D):c.832C>T (p.Leu278=)

Genes: RAD51L3-RFFL (RAD51L3-RFFL readthrough; minus strand), RAD51D (RAD51 paralog D; minus strand). Cytogenetic location: 17q12.
Variant type: single nucleotide variant.
Coding change: c.832C>T on transcript NM_002878.4 (MANE Select); coding-DNA position 832, C replaced by T.
Protein change: p.Leu278=; no amino-acid change (leucine 278 retained).
Molecular consequence: synonymous variant. On other transcripts: non-coding transcript variant (3).
Genome position (GRCh38, 1-based): chr17:35,101,272, G>A on the plus strand (C>T on the coding strand, the complement: RAD51D is on the minus strand). VCF-style: chr17-35101272-G-A. GRCh37 (hg19) VCF-style: chr17-33428291-G-A.
Other names: c.892C>T, p.Leu298= (NM_001142571.2); c.496C>T, p.Leu166= (NM_133629.3).
Identifiers: ClinVar variation 923439 (VCV000923439.7), dbSNP rs2091533606, ClinGen allele CA499728775.
Genomic context (GRCh38, chr17:35,101,272, plus strand): 5'-ATTTGGCCAGACACGCCATGCGCCGGCCGCCTGATGCTCCTGCTCCCTCGATGGTGTCCA[G>A]GAGAATCCGAGTGCTGGGCACAAAGCTCCAGGAGCGTCCGAGGGCAGGTTTGAGCCTCCC-3'
Protein context (NP_002869.3, residues 268-288): WSFVPSTRIL[Leu278=]DTIEGAGASG